The following is an entry in ClinVar:

ClinVar aggregate classification (germline): Uncertain significance (1 of 4 stars; one submission).

Conditions:
Hereditary cancer-predisposing syndrome. Also called: Hereditary neoplastic syndrome; Neoplastic Syndromes, Hereditary; Tumor predisposition; Hereditary Cancer Syndrome. Identifiers: Orphanet 140162, MedGen C0027672, MeSH D009386, MONDO:0015356.

Submission:

Ambry Genetics
Classification: Uncertain significance for Hereditary cancer-predisposing syndrome. Last evaluated: 2025-02-21. Review status: criteria provided, single submitter. Criteria: Ambry Variant Classification Scheme 2023. Collection method: clinical testing. Allele origin: germline.
Comment: The p.K558N variant (also known as c.1674G>T), located in coding exon 11 of the KIT gene, results from a G to T substitution at nucleotide position 1674. The lysine at codon 558 is replaced by asparagine, an amino acid with similar properties. This variant has been reported in an individual with multiple gastrointestinal stromal tumors (Meir M et al. Genes Chromosomes Cancer, 2021 Dec;60:827-832). This amino acid position is highly conserved in available vertebrate species. In addition, the in silico prediction for this alteration is inconclusive. Based on the available evidence, the clinical significance of this variant remains unclear.

Literature cited by the submitters: PubMed 34338390.

NM_000222.3(KIT):c.1674G>T (p.Lys558Asn)

Gene: KIT (KIT proto-oncogene, receptor tyrosine kinase; plus strand). Cytogenetic location: 4q12.
Variant type: single nucleotide variant.
Coding change: c.1674G>T on transcript NM_000222.3 (MANE Select); coding-DNA position 1674, G replaced by T.
Protein change: p.Lys558Asn; replaces lysine 558 with asparagine.
Molecular consequence: missense variant.
Genome position (GRCh38, 1-based): chr4:54,727,442, G>T. VCF-style: chr4-54727442-G-T. GRCh37 (hg19) VCF-style: chr4-55593608-G-T.
Other names: c.1662G>T, p.Lys554Asn (NM_001093772.2, NM_001385286.1); c.1677G>T, p.Lys559Asn (NM_001385284.1, NM_001385290.1); c.1674G>T, p.Lys558Asn (NM_001385285.1); c.1665G>T, p.Lys555Asn (NM_001385288.1, NM_001385292.1); c.1674G>T (NM_000222.2); short protein forms K558N, K554N, K555N, K559N.
Identifiers: ClinVar variation 3864542 (VCV003864542.1), dbSNP rs200375589.